The following is an entry in ClinVar:

NM_003482.4(KMT2D):c.11728C>T (p.Gln3910Ter)

Gene: KMT2D (lysine methyltransferase 2D; minus strand). Cytogenetic location: 12q13.12.
Variant type: single nucleotide variant.
Coding change: c.11728C>T on transcript NM_003482.4 (MANE Select); coding-DNA position 11728, C replaced by T.
Protein change: p.Gln3910Ter; replaces glutamine 3910 with a stop codon.
Molecular consequence: nonsense.
Genome position (GRCh38, 1-based): chr12:49,032,977, G>A on the plus strand (C>T on the coding strand, the complement: KMT2D is on the minus strand). VCF-style: chr12-49032977-G-A. GRCh37 (hg19) VCF-style: chr12-49426760-G-A.
Other names: short protein forms Q3910*.
Identifiers: ClinVar variation 3764641 (VCV003764641.1).

ClinVar aggregate classification (germline): Pathogenic (1 of 4 stars; one submission).

Conditions:
Kabuki syndrome 1 (KABUK1). Also called: KMT2D-Related Kabuki Syndrome. Identifiers: Orphanet 2322, MedGen CN030661, MONDO:0007843, OMIM 147920.

Submission:

Daryl Scott Lab, Baylor College of Medicine
Classification: Pathogenic for Kabuki syndrome 1. Last evaluated: 2024-01-01. Review status: criteria provided, single submitter. Criteria: ACMG Guidelines, 2015. Collection method: clinical testing. Allele origin: de novo. Affected: yes. Observed: 1 heterozygote.
Comment: PVS1, PM2